The following is an entry in ClinVar:

NM_002528.7(NTHL1):c.738G>C (p.Lys246Asn)

Gene: NTHL1 (nth like DNA glycosylase 1; minus strand). Cytogenetic location: 16p13.3.
Variant type: single nucleotide variant.
Coding change: c.738G>C on transcript NM_002528.7 (MANE Select); coding-DNA position 738, G replaced by C.
Protein change: p.Lys246Asn; replaces lysine 246 with asparagine.
Molecular consequence: missense variant.
Genome position (GRCh38, 1-based): chr16:2,040,186, C>G on the plus strand (G>C on the coding strand, the complement: NTHL1 is on the minus strand). VCF-style: chr16-2040186-C-G. GRCh37 (hg19) VCF-style: chr16-2090187-C-G.
Other names: c.567G>C, p.Lys189Asn (NM_001318193.2); c.408G>C, p.Lys136Asn (NM_001318194.2); c.762G>C (NM_002528.5); short protein forms K189N, K136N, K246N.
Identifiers: ClinVar variation 1462353 (VCV001462353.9), dbSNP rs2150938344, ClinGen allele CA394289006.

ClinVar aggregate classification (germline): Conflicting classifications of pathogenicity. Review status: criteria provided, conflicting classifications (1 of 4 stars). 2 submissions from 2 submitters: Uncertain significance (1); Likely benign (1). Last evaluated 2026-07-24.

Conditions:
Hereditary cancer-predisposing syndrome. Also called: Hereditary Cancer Syndrome; Tumor predisposition; Neoplastic Syndromes, Hereditary; Hereditary neoplastic syndrome. Identifiers: Orphanet 140162, MedGen C0027672, MeSH D009386, MONDO:0015356.

Submissions (2):

Ambry Genetics
Classification: Likely benign for Hereditary cancer-predisposing syndrome. Last evaluated: 2026-07-24. Review status: criteria provided, single submitter. Criteria: Ambry Variant Classification Scheme 2023. Collection method: clinical testing. Allele origin: germline.

Labcorp Genetics (formerly Invitae), Labcorp
Classification: Uncertain significance. Last evaluated: 2025-10-14. Review status: criteria provided, single submitter. Criteria: Invitae Variant Classification Sherloc (09022015). Collection method: clinical testing. Allele origin: germline.
Comment: This sequence change replaces lysine, which is basic and polar, with asparagine, which is neutral and polar, at codon 254 of the NTHL1 protein (p.Lys254Asn). This variant is not present in population databases (gnomAD no frequency). This variant has not been reported in the literature in individuals affected with NTHL1-related conditions. ClinVar contains an entry for this variant (Variation ID: 1462353). An algorithm developed to predict the effect of missense changes on protein structure and function (PolyPhen-2) suggests that this variant is likely to be tolerated. In summary, the available evidence is currently insufficient to determine the role of this variant in disease. Therefore, it has been classified as a Variant of Uncertain Significance.